The following is an entry in ClinVar:

NM_001114753.3(ENG):c.1110_1115dup (p.Leu372_Lys373insValLeu)

Gene: ENG (endoglin; minus strand). Cytogenetic location: 9q34.11.
Variant type: Duplication.
Coding change: c.1110_1115dup on transcript NM_001114753.3 (MANE Select); coding-DNA positions 1110 to 1115, 6 bases duplicated (GGTACT; older notation c.1110_1115dupGGTACT).
Protein change: p.Leu372_Lys373insValLeu.
Molecular consequence: inframe insertion. On other transcripts: inframe indel (2).
Genome position (GRCh38, 1-based): chr9:127,824,323-127,824,328, AGTACC duplicated on the plus strand (GGTACT on the coding strand, the reverse complement: ENG is on the minus strand); duplicating any 6 consecutive bases within chr9:127,824,323-127,824,330 gives the same sequence; the c. name uses the placement nearest the transcript's 3' end. VCF-style (leftmost placement, unchanged base first): chr9-127824322-T-TAGTACC. GRCh37 (hg19) VCF-style: chr9-130586601-T-TAGTACC.
Other names: c.1108_1113dup, p.Leu372_Lys373insValLeu (NM_000118.4, NM_001406715.1); c.564_569dup, p.Leu190_Lys191insValLeu (NM_001278138.2).
Identifiers: ClinVar variation 952211 (VCV000952211.12), dbSNP rs1830547424, ClinGen allele CA1139661204.
Genomic context (GRCh38, chr9:127,824,322, plus strand): 5'-TGTCCATGTCATCCTGAGCCAGAGGGGCAGGAGTTCCCTTACCGCAACAAGCTCTTTCTT[T>TAGTACC]AGTACCAGGGTCATGGCGTCGTCGGCACACTTTGTCTGGATCAAGGACATGAGCAGCTCC-3'

ClinVar aggregate classification (germline): Uncertain significance (1 of 4 stars; one submission).

Conditions:
Hereditary hemorrhagic telangiectasia (HHT). Also called: Osler hemorrhagic telangiectasia syndrome; ORW DISEASE; Osler Weber Rendu syndrome; OSLER-RENDU-WEBER DISEASE. Identifiers: Orphanet 774, MedGen C0039445, MONDO:0019180. Disease mechanism: loss of function.

Submission:

Labcorp Genetics (formerly Invitae), Labcorp
Classification: Uncertain significance for Hereditary hemorrhagic telangiectasia. Last evaluated: 2020-03-25. Review status: criteria provided, single submitter. Criteria: Invitae Variant Classification Sherloc (09022015). Collection method: clinical testing. Allele origin: germline.
Comment: Algorithms developed to predict the effect of sequence changes on RNA splicing suggest that this variant may create or strengthen a splice site, but this prediction has not been confirmed by published transcriptional studies. Experimental studies and prediction algorithms are not available or were not evaluated, and the functional significance of this variant is currently unknown. In summary, the available evidence is currently insufficient to determine the role of this variant in disease. Therefore, it has been classified as a Variant of Uncertain Significance. This variant, c.1110_1115dup, results in the insertion of 2 amino acid(s) to the ENG protein (p.Val371_Leu372dup), but otherwise preserves the integrity of the reading frame. This variant is not present in population databases (ExAC no frequency). This variant has been observed in individual(s) with clinical features of hereditary hemorrhagic telangiectasia (Invitae).